The following is an entry in ClinVar:

ClinVar aggregate classification (germline): Likely pathogenic (1 of 4 stars; one submission).

Conditions:
Dilated cardiomyopathy 1G (CMD1G). Identifiers: Orphanet 154, MedGen C1858763, MONDO:0011400, OMIM 604145.
Autosomal recessive limb-girdle muscular dystrophy type 2J (LGMDR10). Also called: Limb-girdle muscular dystrophy, type 2J; MUSCULAR DYSTROPHY, LIMB-GIRDLE, AUTOSOMAL RECESSIVE 10. Identifiers: Orphanet 140922, MedGen C1837342, MONDO:0012127, OMIM 608807.

Submission:

Labcorp Genetics (formerly Invitae), Labcorp
Classification: Likely pathogenic for Dilated cardiomyopathy 1G; Autosomal recessive limb-girdle muscular dystrophy type 2J. Last evaluated: 2020-08-23. Review status: criteria provided, single submitter. Criteria: Invitae Variant Classification Sherloc (09022015). Collection method: clinical testing. Allele origin: germline.
Comment: This sequence change results in a premature translational stop signal in the TTN gene (p.Gly32713Valfs*4). While this is not anticipated to result in nonsense mediated decay, it is expected to create a truncated TTN protein. This variant is not present in population databases (ExAC no frequency). This variant has not been reported in the literature in individuals with TTN-related conditions. This variant is located in the A band of TTN (PMID: 25589632). Truncating variants in this region are significantly overrepresented in patients affected with dilated cardiomyopathy (PMID: 25589632). Truncating variants in this region have also been reported in individuals affected with autosomal recessive centronuclear myopathy (PMID: 23975875). In summary, the currently available evidence indicates that the variant is pathogenic, but additional data are needed to prove that conclusively. Therefore, this variant has been classified as Likely Pathogenic.

Literature cited by the submitters: PubMed 25589632; PubMed 23975875.

NM_001267550.2(TTN):c.98136del (p.Gly32713fs)

Genes: TTN-AS1 (TTN antisense RNA 1; plus strand), TTN (titin; minus strand). Cytogenetic location: 2q31.2.
Variant type: Deletion.
Coding change: c.98136del on transcript NM_001267550.2 (MANE Select); coding-DNA position 98136, one base deleted (A; older notation c.98136delA).
Protein change: p.Gly32713fs; shifts the reading frame from glycine 32713.
Molecular consequence: frameshift variant.
Genome position (GRCh38, 1-based): chr2:178,539,929, T deleted on the plus strand (A on the coding strand, the reverse complement: TTN is on the minus strand); the first of 2 consecutive T bases (chr2:178,539,929-178,539,930); deleting either gives the same sequence. VCF-style (leftmost placement, unchanged base first): chr2-178539928-CT-C. GRCh37 (hg19) VCF-style: chr2-179404655-CT-C.
Other names: c.93213del, p.Gly31072fs (NM_001256850.1); c.70941del, p.Gly23648fs (NM_003319.4); c.90432del, p.Gly30145fs (NM_133378.4); c.71316del, p.Gly23773fs (NM_133432.3); c.71517del, p.Gly23840fs (NM_133437.4); short protein forms G23648fs, G23773fs, G23840fs, G30145fs, G31072fs, G32713fs.
Identifiers: ClinVar variation 1066001 (VCV001066001.9), dbSNP rs2154140292, ClinGen allele CA2499215302.